The following is an entry in ClinVar:

NM_004329.3(BMPR1A):c.539G>A (p.Cys180Tyr)

Gene: BMPR1A (bone morphogenetic protein receptor type 1A; plus strand). Cytogenetic location: 10q23.2.
Variant type: single nucleotide variant.
Coding change: c.539G>A on transcript NM_004329.3 (MANE Select); coding-DNA position 539, G replaced by A.
Protein change: p.Cys180Tyr; replaces cysteine 180 with tyrosine.
Molecular consequence: missense variant.
Genome position (GRCh38, 1-based): chr10:86,912,248, G>A. VCF-style: chr10-86912248-G-A. GRCh37 (hg19) VCF-style: chr10-88672005-G-A.
Other names: short protein forms C180Y.
Identifiers: ClinVar variation 858568 (VCV000858568.10), dbSNP rs1843501084, ClinGen allele CA377454079.

ClinVar aggregate classification (germline): Uncertain significance (1 of 4 stars; one submission).

Conditions:
Juvenile polyposis syndrome (JPS). Identifiers: Orphanet 2929, MedGen C0345893, MONDO:0017380, OMIM 174900.

Submission:

Labcorp Genetics (formerly Invitae), Labcorp
Classification: Uncertain significance for Juvenile polyposis syndrome. Last evaluated: 2019-04-09. Review status: criteria provided, single submitter. Criteria: Invitae Variant Classification Sherloc (09022015). Collection method: clinical testing. Allele origin: germline.
Comment: In summary, the available evidence is currently insufficient to determine the role of this variant in disease. Therefore, it has been classified as a Variant of Uncertain Significance. Algorithms developed to predict the effect of missense changes on protein structure and function are either unavailable or do not agree on the potential impact of this missense change (SIFT: "Tolerated"; PolyPhen-2: "Probably Damaging"; Align-GVGD: "Class C0"). This sequence change replaces cysteine with tyrosine at codon 180 of the BMPR1A protein (p.Cys180Tyr). The cysteine residue is moderately conserved and there is a large physicochemical difference between cysteine and tyrosine. This variant is not present in population databases (ExAC no frequency). This variant has not been reported in the literature in individuals with BMPR1A-related conditions.